The following is an entry in ClinVar:

NM_000051.4(ATM):c.2849T>A (p.Leu950His)

Gene: ATM (ATM serine/threonine kinase; plus strand). Cytogenetic location: 11q22.3.
Variant type: single nucleotide variant.
Coding change: c.2849T>A on transcript NM_000051.4 (MANE Select); coding-DNA position 2849, T replaced by A.
Protein change: p.Leu950His; replaces leucine 950 with histidine.
Molecular consequence: missense variant.
Genome position (GRCh38, 1-based): chr11:108,271,074, T>A. VCF-style: chr11-108271074-T-A. GRCh37 (hg19) VCF-style: chr11-108141801-T-A.
Other names: c.2849T>A, p.Leu950His (NM_001351834.2); short protein forms L950H.
Identifiers: ClinVar variation 583313 (VCV000583313.8), dbSNP rs786203054, ClinGen allele CA382546717.
Genomic context (GRCh38, chr11:108,271,074, plus strand): 5'-AGTAAATGATTTGTGGATAAACCTGATTTTTTTCCCTCCTACCATCTTAGTATCTAATGC[T>A]TTTAAAGGAGCTTCCTGGAGAAGAGTACCCCTTGCCAATGGAAGATGTTCTTGAACTTCT-3'
Protein context (NP_000042.3, residues 940-960): KSLHLHMYLM[Leu950His]LKELPGEEYP

ClinVar aggregate classification (germline): Uncertain significance (1 of 4 stars; one submission).

Conditions:
Ataxia-telangiectasia syndrome (AT). Also called: Ataxia-telangiectasia, complementation group D; AT, COMPLEMENTATION GROUP C; Ataxia-telangiectasia, complementation group E; Cerebello-oculocutaneous telangiectasia; Immunodeficiency with ataxia telangiectasia; ATAXIA-TELANGIECTASIA, COMPLEMENTATION GROUP A. Identifiers: Orphanet 100, MedGen C0004135, MONDO:0008840, OMIM 208900.

Submission:

Labcorp Genetics (formerly Invitae), Labcorp
Classification: Uncertain significance for Ataxia-telangiectasia syndrome. Last evaluated: 2025-05-28. Review status: criteria provided, single submitter. Criteria: Invitae Variant Classification Sherloc (09022015). Collection method: clinical testing. Allele origin: germline.
Comment: This sequence change replaces leucine, which is neutral and non-polar, with histidine, which is basic and polar, at codon 950 of the ATM protein (p.Leu950His). This variant is not present in population databases (gnomAD no frequency). This variant has not been reported in the literature in individuals affected with ATM-related conditions. ClinVar contains an entry for this variant (Variation ID: 583313). Invitae Evidence Modeling of protein sequence and biophysical properties (such as structural, functional, and spatial information, amino acid conservation, physicochemical variation, residue mobility, and thermodynamic stability) has been performed for this missense variant. However, the output from this modeling did not meet the statistical confidence thresholds required to predict the impact of this variant on ATM protein function. This variant disrupts the p.Leu950 amino acid residue in ATM. Other variant(s) that disrupt this residue have been determined to be pathogenic (PMID: 10873394, 12552559, 20678261, 21792198, 27989354). This suggests that this residue is clinically significant, and that variants that disrupt this residue are likely to be disease-causing. In summary, the available evidence is currently insufficient to determine the role of this variant in disease. Therefore, it has been classified as a Variant of Uncertain Significance.

Literature cited by the submitters: PubMed 10873394; PubMed 12552559; PubMed 20678261; PubMed 21792198; PubMed 27989354.